The following is an entry in ClinVar:

ClinVar aggregate classification (germline): Uncertain significance. Review status: criteria provided, multiple submitters, no conflicts (2 of 4 stars). 2 submissions from 2 submitters: Uncertain significance (2). Last evaluated 2023-11-20.

Conditions:
Charcot-Marie-Tooth disease axonal type 2C (HMSN2C). Also called: CHARCOT-MARIE-TOOTH DISEASE, AXONAL, AUTOSOMAL DOMINANT, TYPE 2C; Charcot-Marie-Tooth Neuropathy Type 2C; Charcot-Marie-Tooth Disease Type 2, TRPV4-Related (CMT2C). Identifiers: Orphanet 99937, MedGen C1853710, MONDO:0011633, OMIM 606071.

Submissions (2):

Blueprint Genetics
Classification: Uncertain significance. Last evaluated: 2023-11-20. Review status: criteria provided, single submitter. Criteria: ACMG Guidelines, 2015. Collection method: clinical testing. Allele origin: germline.

Labcorp Genetics (formerly Invitae), Labcorp
Classification: Uncertain significance for Charcot-Marie-Tooth disease axonal type 2C. Last evaluated: 2022-09-01. Review status: criteria provided, single submitter. Criteria: Invitae Variant Classification Sherloc (09022015). Collection method: clinical testing. Allele origin: germline.
Comment: This variant, c.1076_1093del, results in the deletion of 6 amino acid(s) of the TRPV4 protein (p.Asp359_Ala364del), but otherwise preserves the integrity of the reading frame. In summary, the available evidence is currently insufficient to determine the role of this variant in disease. Therefore, it has been classified as a Variant of Uncertain Significance. Experimental studies and prediction algorithms are not available or were not evaluated, and the functional significance of this variant is currently unknown. ClinVar contains an entry for this variant (Variation ID: 644738). This variant has not been reported in the literature in individuals affected with TRPV4-related conditions. This variant is not present in population databases (gnomAD no frequency).

NM_021625.5(TRPV4):c.1076_1093del (p.Asp359_Ala364del)

Gene: TRPV4 (transient receptor potential cation channel subfamily V member 4; minus strand). Cytogenetic location: 12q24.11.
Variant type: Deletion.
Coding change: c.1076_1093del on transcript NM_021625.5 (MANE Select); coding-DNA positions 1076 to 1093, 18 bases deleted (ACAGCAACCTGGAGGCCG).
Protein change: p.Asp359_Ala364del.
Molecular consequence: inframe indel (on NM_001177428.2).
Genome position (GRCh38, 1-based): chr12:109,798,673-109,798,690, CGGCCTCCAGGTTGCTGT deleted on the plus strand (ACAGCAACCTGGAGGCCG on the coding strand, the reverse complement: TRPV4 is on the minus strand); deleting any 18 consecutive bases within chr12:109,798,673-109,798,693 gives the same sequence; the c. name uses the placement nearest the transcript's 3' end. VCF-style (leftmost placement, unchanged base first): chr12-109798672-ACGGCCTCCAGGTTGCTGT-A. GRCh37 (hg19) VCF-style: chr12-110236477-ACGGCCTCCAGGTTGCTGT-A.
Other names: c.932_949del18, p.Asp312_Ala317del (NM_001177428.2, NM_001177433.2); c.971_988del18, p.Asp325_Ala330del (NM_001177431.2); c.1073_1090del18, p.Asp359_Ala364del (NM_147204.3); c.1076_1093delACAGCAACCTGGAGGCCG (NM_021625.4).
Identifiers: ClinVar variation 644738 (VCV000644738.9), dbSNP rs1592838554, ClinGen allele CA915946699.